The following is an entry in ClinVar:

ClinVar aggregate classification (germline): Likely pathogenic (1 of 4 stars; one submission).

Allele frequency attached by ClinVar (database versions not stated): TOPMed 0.00002.

Submission:

ARUP Laboratories, Molecular Genetics and Genomics, ARUP Laboratories
Classification: Likely pathogenic. Last evaluated: 2023-08-31. Review status: criteria provided, single submitter. Criteria: ARUP Molecular Germline Variant Investigation Process 2024. Collection method: clinical testing. Allele origin: germline.
Comment: The F8 c.5941G>A; p.Val1981Met variant (rs2073023240), also known as V1962M, is reported in the literature in individuals affected with mild hemophilia A (Markoff 2009, see link to FVIII database and references therein). This variant is absent from the Genome Aggregation Database, indicating it is not a common polymorphism. The valine at codon 1981 is highly conserved, but computational analyses are uncertain whether this variant is neutral or deleterious (REVEL: 0.603). Additionally, another variant at this codon (c.5941G>C; p.Val1981Leu) has been reported in individuals with mild to moderate hemophilia A (Green 2008, Markoff 2009, see link to FVIII database and references therein). Based on available information, this variant is considered to be likely pathogenic. References: Link to FVIII database: Green PM et al. Haemophilia A mutations in the UK: results of screening one-third of the population. Br J Haematol. 2008 Oct;143(1):115-28. PMID: 18691168. Markoff A et al. Combined homology modelling and evolutionary significance evaluation of missense mutations in blood clotting factor VIII to highlight aspects of structure and function. Haemophilia. 2009 Jul;15(4):932-41. PMID: 19473423.

NM_000132.4(F8):c.5941G>A (p.Val1981Met)

Gene: F8 (coagulation factor VIII; minus strand). Cytogenetic location: Xq28.
Variant type: single nucleotide variant.
Coding change: c.5941G>A on transcript NM_000132.4 (MANE Select); coding-DNA position 5941, G replaced by A.
Protein change: p.Val1981Met; replaces valine 1981 with methionine.
Molecular consequence: missense variant.
Genome position (GRCh38, 1-based): chrX:154,903,963, C>T on the plus strand (G>A on the coding strand, the complement: F8 is on the minus strand). VCF-style: chrX-154903963-C-T. GRCh37 (hg19) VCF-style: chrX-154132238-C-T.
Other names: short protein forms V1981M.
Identifiers: ClinVar variation 2920840 (VCV002920840.1), dbSNP rs2073023240, ClinGen allele CA414905803.